The following is an entry in ClinVar:

ClinVar aggregate classification (germline): Conflicting classifications of pathogenicity. Review status: criteria provided, conflicting classifications (1 of 4 stars). 10 submissions from 8 submitters: Uncertain significance (9); Likely benign (1). Last evaluated 2026-01-27.

Conditions:
DSP-related disorder. Also called: DSP-related disorders; DSP-related condition.
Cardiovascular phenotype. Identifiers: MedGen CN230736.
Cardiomyopathy (CMYO). Also called: Cardiomyopathies. Identifiers: Orphanet 167848, MedGen C0878544, MONDO:0004994, HP:0001638. Inheritance: Various modes of inheritance.
Arrhythmogenic right ventricular dysplasia 8 (ARVD8). Also called: Arrhythmogenic Right Ventricular Dysplasia/Cardiomyopathy 8; ARRHYTHMOGENIC RIGHT VENTRICULAR DYSPLASIA, FAMILIAL, 8; ARRHYTHMOGENIC RIGHT VENTRICULAR CARDIOMYOPATHY 8. Identifiers: MedGen C1843896, MONDO:0011831, OMIM 607450.
Arrhythmogenic cardiomyopathy with wooly hair and keratoderma. Also called: Dilated cardiomyopathy with woolly hair and keratoderma; Arrhythmogenic cardiomyopathy with woolly hair and keratoderma; Carvajal syndrome; PALMOPLANTAR KERATODERMA WITH LEFT VENTRICULAR CARDIOMYOPATHY AND WOOLLY HAIR. Identifiers: Orphanet 65282, MedGen C1854063, MONDO:0011581, OMIM 605676.
Woolly hair-skin fragility syndrome (WHSF). Identifiers: Orphanet 293165, MedGen C1843292, MONDO:0957307, OMIM 620415.
Lethal acantholytic epidermolysis bullosa (EBLA). Identifiers: Orphanet 158687, MedGen C1864826, MONDO:0012323, OMIM 609638.

Allele frequency attached by ClinVar (database versions not stated): gnomAD 0.00001; TOPMed 0.00002; ExAC 0.00004.
gnomAD v4.1: 69 of 1,614,024 alleles (0.0043%); highest among the groups gnomAD compares: Non-Finnish European, 0.0051%; no homozygotes.

Submissions (10):

Labcorp Genetics (formerly Invitae), Labcorp
Classification: Likely benign for Arrhythmogenic cardiomyopathy with wooly hair and keratoderma; Arrhythmogenic right ventricular dysplasia 8. Last evaluated: 2026-01-27. Review status: criteria provided, single submitter. Criteria: Invitae Variant Classification Sherloc (09022015). Collection method: clinical testing. Allele origin: germline.

Ambry Genetics
Classification: Uncertain significance for Cardiovascular phenotype. Last evaluated: 2025-12-19. Review status: criteria provided, single submitter. Criteria: Ambry Variant Classification Scheme 2023. Collection method: clinical testing. Allele origin: germline.
Comment: The p.R490C variant (also known as c.1468C>T), located in coding exon 12 of the DSP gene, results from a C to T substitution at nucleotide position 1468. The arginine at codon 490 is replaced by cysteine, an amino acid with highly dissimilar properties. This variant has been detected in an arrhythmogenic right ventricular cardiomyopathy cohort; however, details were limited (Lin CY et al. J Cardiovasc Electrophysiol. 2019 Apr;30(4):582-592). This amino acid position is highly conserved in available vertebrate species. In addition, this alteration is predicted to be deleterious by in silico analysis. Since supporting evidence is limited at this time, the clinical significance of this alteration remains unclear.

PreventionGenetics, part of Exact Sciences
Classification: Uncertain significance for DSP-related condition. Last evaluated: 2025-04-11. Review status: criteria provided, single submitter. Criteria: ACMG Guidelines, 2015. Collection method: clinical testing. Allele origin: germline.
Comment: The DSP c.1468C>T variant is predicted to result in the amino acid substitution p.Arg490Cys. This variant has been reported in a cohort of patients with arrhythmogenic right ventricular cardiomyopathy with limited information (Lin et al. 2019. PubMed ID: 30699244). This variant is reported in 0.011% of alleles in individuals of East Asian descent in gnomAD. At this time, the clinical significance of this variant is uncertain due to the absence of conclusive functional and genetic evidence.

All of Us Research Program, National Institutes of Health
Classification: Uncertain significance for Arrhythmogenic cardiomyopathy with wooly hair and keratoderma. Last evaluated: 2024-09-23. Review status: criteria provided, single submitter. Criteria: ACMG Guidelines, 2015. Collection method: clinical testing. Allele origin: germline. Inheritance: Autosomal dominant inheritance. Observed: 8 variant alleles, 8 heterozygotes.
Comment: This missense variant replaces arginine with cysteine at codon 490 of the DSP protein. Computational prediction is inconclusive regarding the impact of this variant on protein structure and function (internally defined REVEL score threshold 0.5 < inconclusive < 0.7, PMID: 27666373). To our knowledge, functional studies have not been reported for this variant. This variant has been reported in an individual affected with arrhythmogenic right ventricular cardiomyopathy (PMID: 30699244). This variant has been identified in 8/251432 chromosomes in the general population by the Genome Aggregation Database (gnomAD). The available evidence is insufficient to determine the role of this variant in disease conclusively. Therefore, this variant is classified as a Variant of Uncertain Significance.

This study involves interpretation of variants in research participants for the purpose of population health screening. Participant phenotype was not available at the time of variant classification. Additional details can be found in publication PMID: 35346344, PMCID: PMC8962531

Color Diagnostics, LLC DBA Color Health
Classification: Uncertain significance for Cardiomyopathy. Last evaluated: 2024-04-23. Review status: criteria provided, single submitter. Criteria: ACMG Guidelines, 2015. Collection method: clinical testing. Allele origin: germline.
Comment: This missense variant replaces arginine with cysteine at codon 490 of the DSP protein. Computational prediction is inconclusive regarding the impact of this variant on protein structure and function (internally defined REVEL score threshold 0.5 < inconclusive < 0.7, PMID: 27666373). To our knowledge, functional studies have not been reported for this variant. This variant has been reported in an individual affected with arrhythmogenic right ventricular cardiomyopathy (PMID: 30699244). This variant has been identified in 8/251432 chromosomes in the general population by the Genome Aggregation Database (gnomAD). The available evidence is insufficient to determine the role of this variant in disease conclusively. Therefore, this variant is classified as a Variant of Uncertain Significance.

GeneDx
Classification: Uncertain significance. Last evaluated: 2022-05-19. Review status: criteria provided, single submitter. Criteria: GeneDx Variant Classification Process June 2021. Collection method: clinical testing. Allele origin: germline. Affected: yes.
Comment: Has not been previously published as pathogenic or benign to our knowledge; In silico analysis supports that this missense variant has a deleterious effect on protein structure/function

Women's Health and Genetics/Laboratory Corporation of America, LabCorp
Classification: Uncertain significance. Last evaluated: 2021-03-15. Review status: criteria provided, single submitter. Criteria: LabCorp Variant Classification Summary - May 2015. Collection method: clinical testing. Allele origin: germline.
Comment: Variant summary: DSP c.1468C>T (p.Arg490Cys) results in a non-conservative amino acid change located in the SH3 domain (IPR001452) of the encoded protein sequence. Five of five in-silico tools predict a damaging effect of the variant on protein function. The variant allele was found at a frequency of 3.2e-05 in 251432 control chromosomes. The available data on variant occurrences in the general population are insufficient to allow any conclusion about variant significance. To our knowledge, no occurrence of c.1468C>T in individuals affected with Arrhythmogenic Right Ventricular Dysplasia/Cardiomyopathy and no experimental evidence demonstrating its impact on protein function have been reported. Three clinical diagnostic laboratories have submitted clinical-significance assessments for this variant to ClinVar after 2014 without evidence for independent evaluation. All laboratories cited the variant as uncertain significance. Based on the evidence outlined above, the variant was classified as uncertain significance.

Illumina Laboratory Services, Illumina
Classification: Uncertain significance for Arrhythmogenic cardiomyopathy with wooly hair and keratoderma. Last evaluated: 2018-01-13. Review status: criteria provided, single submitter. Criteria: ICSL Variant Classification Criteria 13 December 2019. Collection method: clinical testing. Allele origin: germline.

Illumina Laboratory Services, Illumina
Classification: Uncertain significance for Lethal acantholytic epidermolysis bullosa. Last evaluated: 2018-01-13. Review status: criteria provided, single submitter. Criteria: ICSL Variant Classification Criteria 13 December 2019. Collection method: clinical testing. Allele origin: germline.

Illumina Laboratory Services, Illumina
Classification: Uncertain significance for Arrhythmogenic right ventricular dysplasia 8. Last evaluated: 2018-01-13. Review status: criteria provided, single submitter. Criteria: ICSL Variant Classification Criteria 13 December 2019. Collection method: clinical testing. Allele origin: germline.

Literature cited by the submitters: PubMed 30699244 (cited by 3 submitters).

NM_004415.4(DSP):c.1468C>T (p.Arg490Cys)

Gene: DSP (desmoplakin; plus strand). Cytogenetic location: 6p24.3.
Variant type: single nucleotide variant.
Coding change: c.1468C>T on transcript NM_004415.4 (MANE Select); coding-DNA position 1468, C replaced by T.
Protein change: p.Arg490Cys; replaces arginine 490 with cysteine.
Molecular consequence: missense variant.
Genome position (GRCh38, 1-based): chr6:7,569,234, C>T. VCF-style: chr6-7569234-C-T. GRCh37 (hg19) VCF-style: chr6-7569467-C-T.
Other names: p.R490C:CGC>TGC; c.1468C>T (LRG_423t1); c.1468C>T, p.Arg490Cys (NM_001008844.3, NM_001319034.2); short protein forms R490C.
Identifiers: ClinVar variation 199861 (VCV000199861.25), dbSNP rs781084693, ClinGen allele CA004958.